The following is an entry in ClinVar:

NM_000535.7(PMS2):c.29A>G (p.Glu10Gly)

Gene: PMS2 (PMS1 homolog 2, mismatch repair system component; minus strand). Cytogenetic location: 7p22.1.
Variant type: single nucleotide variant.
Coding change: c.29A>G on transcript NM_000535.7 (MANE Select); coding-DNA position 29, A replaced by G.
Protein change: p.Glu10Gly; replaces glutamic acid 10 with glycine.
Molecular consequence: missense variant. On other transcripts: 5 prime UTR variant (38), non-coding transcript variant (1), intron variant (7).
Genome position (GRCh38, 1-based): chr7:6,006,026, T>C on the plus strand (A>G on the coding strand, the complement: PMS2 is on the minus strand). VCF-style: chr7-6006026-T-C. GRCh37 (hg19) VCF-style: chr7-6045657-T-C.
Other names: c.-187A>G (NM_001406902.1, NM_001406903.1, NM_001322007.2 and 4 more transcripts); c.-324A>G (NM_001406904.1, NM_001406907.1, NM_001406909.1 and 5 more transcripts); c.-377A>G (NM_001406905.1, NM_001406906.1, NM_001406908.1 and 11 more transcripts); c.29A>G, p.Glu10Gly (NM_001406912.1, NM_001322006.2, NM_001322014.2 and 10 more transcripts); c.-52-1968A>G (NM_001322008.2); c.-218-1968A>G (NM_001406881.1); c.-189-1968A>G (NM_001406895.1); c.-242-1968A>G (NM_001406911.1, NM_001322010.2, NM_001322004.2); and 7 more; short protein forms E10G, E72G.
Identifiers: ClinVar variation 3232023 (VCV003232023.1), dbSNP rs878854050, ClinGen allele CA366745195.
Genomic context (GRCh38, chr7:6,006,026, plus strand): 5'-TGCCCAGAGCAAATCTGATGGACTGACTTCCGATCAATAGGTTTGATGGCCTTAGCAGGT[T>C]CTGTACTAGAGAAATCAGTTACAAGAAACAAATCAAGTATTCAGCTATATATTTTCATCC-3'
Protein context (NP_000526.2, residues 1-20): MERAESSST[Glu10Gly]PAKAIKPIDR

ClinVar aggregate classification (germline): Uncertain significance (1 of 4 stars; one submission).

Conditions:
Hereditary cancer-predisposing syndrome. Also called: Neoplastic Syndromes, Hereditary; Tumor predisposition; Hereditary neoplastic syndrome; Hereditary Cancer Syndrome. Identifiers: Orphanet 140162, MedGen C0027672, MeSH D009386, MONDO:0015356.

Submission:

Ambry Genetics
Classification: Uncertain significance for Hereditary cancer-predisposing syndrome. Last evaluated: 2024-03-06. Review status: criteria provided, single submitter. Criteria: Ambry Variant Classification Scheme 2023. Collection method: clinical testing. Allele origin: germline.
Comment: The p.E10G variant (also known as c.29A>G), located in coding exon 2 of the PMS2 gene, results from an A to G substitution at nucleotide position 29. The glutamic acid at codon 10 is replaced by glycine, an amino acid with similar properties. This amino acid position is well conserved in available vertebrate species. In addition, the in silico prediction for this alteration is inconclusive. Based on the available evidence, the clinical significance of this alteration remains unclear.